The following is an entry in ClinVar:

ClinVar aggregate classification (germline): Pathogenic (1 of 4 stars; one submission).

Conditions:
Hereditary cancer-predisposing syndrome. Also called: Neoplastic Syndromes, Hereditary; Hereditary neoplastic syndrome; Tumor predisposition; Hereditary Cancer Syndrome. Identifiers: Orphanet 140162, MedGen C0027672, MeSH D009386, MONDO:0015356.

Submission:

Color Diagnostics, LLC DBA Color Health
Classification: Pathogenic for Hereditary cancer-predisposing syndrome. Last evaluated: 2025-07-28. Review status: criteria provided, single submitter. Criteria: ACMG Guidelines, 2015. Collection method: clinical testing. Allele origin: germline.
Comment: This variant inserts 1 nucleotide in exon 10 of the BRCA1 gene, creating a frameshift and premature translation stop signal. This variant is expected to result in an absent or non-functional protein product. This variant has not been identified in the general population by the Genome Aggregation Database (gnomAD). Loss of BRCA1 function is a known mechanism of disease. Based on the available evidence, this variant is classified as Pathogenic.

NM_007294.4(BRCA1):c.2397dup (p.Lys800Ter)

Gene: BRCA1 (BRCA1 DNA repair associated; minus strand). Cytogenetic location: 17q21.31.
Variant type: Duplication.
Coding change: c.2397dup on transcript NM_007294.4 (MANE Select); coding-DNA position 2397, one base duplicated (T; older notation c.2397dupT).
Protein change: p.Lys800Ter; replaces lysine 800 with a stop codon.
Molecular consequence: nonsense. On other transcripts: intron variant (137).
Genome position (GRCh38, 1-based): chr17:43,093,134, A duplicated on the plus strand (T on the coding strand, the reverse complement: BRCA1 is on the minus strand). VCF-style (leftmost placement, unchanged base first): chr17-43093133-T-TA. GRCh37 (hg19) VCF-style: chr17-41245150-T-TA.
Other names: c.2184dup, p.Lys729Ter (NM_001407571.1, NM_001407853.1, NM_001407894.1 and 9 more transcripts); c.2397dup, p.Lys800Ter (NM_001407581.1, NM_001407582.1, NM_001407583.1 and 30 more transcripts); c.2394dup, p.Lys799Ter (NM_001407587.1, NM_001407590.1, NM_001407591.1 and 22 more transcripts); c.2388dup, p.Lys797Ter (NM_001407646.1, NM_001407647.1); c.2274dup, p.Lys759Ter (NM_001407648.1, NM_001407664.1, NM_001407665.1 and 19 more transcripts); c.2271dup, p.Lys758Ter (NM_001407649.1, NM_001407670.1, NM_001407671.1 and 11 more transcripts); c.2319dup, p.Lys774Ter (NM_001407653.1, NM_001407654.1, NM_001407655.1 and 4 more transcripts); c.2316dup, p.Lys773Ter (NM_001407659.1, NM_001407660.1, NM_001407661.1 and 1 more transcripts); and 41 more; short protein forms K504*, K632*, K672*, K673*, K688*, K689*, K711*, K712*.
Identifiers: ClinVar variation 4759038 (VCV004759038.1).